The following is an entry in ClinVar:

NM_005428.4(VAV1):c.2279C>T (p.Thr760Ile)

Gene: VAV1 (vav guanine nucleotide exchange factor 1; plus strand). Cytogenetic location: 19p13.3.
Variant type: single nucleotide variant.
Coding change: c.2279C>T on transcript NM_005428.4 (MANE Select); coding-DNA position 2279, C replaced by T.
Protein change: p.Thr760Ile; replaces threonine 760 with isoleucine.
Molecular consequence: missense variant.
Genome position (GRCh38, 1-based): chr19:6,853,026, C>T. VCF-style: chr19-6853026-C-T. GRCh37 (hg19) VCF-style: chr19-6853037-C-T.
Other names: c.2213C>T, p.Thr738Ile (NM_001258206.2); c.2183C>T, p.Thr728Ile (NM_001258207.2); short protein forms T728I, T760I, T738I.
Identifiers: ClinVar variation 4767700 (VCV004767700.1).

ClinVar aggregate classification (germline): Uncertain significance (1 of 4 stars; one submission).

gnomAD v4.1: 1 of 1,611,976 alleles (0.000062%); no homozygotes.

Submission:

Labcorp Genetics (formerly Invitae), Labcorp
Classification: Uncertain significance. Last evaluated: 2025-06-27. Review status: criteria provided, single submitter. Criteria: Invitae Variant Classification Sherloc (09022015). Collection method: clinical testing. Allele origin: germline.
Comment: This sequence change replaces threonine, which is neutral and polar, with isoleucine, which is neutral and non-polar, at codon 760 of the VAV1 protein (p.Thr760Ile). This variant is not present in population databases (gnomAD no frequency). This variant has not been reported in the literature in individuals affected with VAV1-related conditions. An algorithm developed to predict the effect of missense changes on protein structure and function (PolyPhen-2) suggests that this variant is likely to be tolerated. In summary, the available evidence is currently insufficient to determine the role of this variant in disease. Therefore, it has been classified as a Variant of Uncertain Significance.